The following is an entry in ClinVar:

NM_017882.3(CLN6):c.649A>G (p.Ser217Gly)

Gene: CLN6 (CLN6 transmembrane ER protein; minus strand). Cytogenetic location: 15q23.
Variant type: single nucleotide variant.
Coding change: c.649A>G on transcript NM_017882.3 (MANE Select); coding-DNA position 649, A replaced by G.
Protein change: p.Ser217Gly; replaces serine 217 with glycine.
Molecular consequence: missense variant.
Genome position (GRCh38, 1-based): chr15:68,209,653, T>C on the plus strand (A>G on the coding strand, the complement: CLN6 is on the minus strand). VCF-style: chr15-68209653-T-C. GRCh37 (hg19) VCF-style: chr15-68501991-T-C.
Other names: short protein forms S217G.
Identifiers: ClinVar variation 575137 (VCV000575137.6), dbSNP rs1567095087, ClinGen allele CA392972812.
Genomic context (GRCh38, chr15:68,209,653, plus strand): 5'-CTCTCAGTGCCCCTGCCTCTGCCCCCATGCTGATGTCCACTCACCAGTAGTACAGGCCAC[T>C]GGGTGCCACCAGGAGCAGGGCAGGCCCTGGAATCAAGCTCTCAGCTTTAGAGGCAGTAAA-3'
Protein context (NP_060352.1, residues 207-227): PGPALLLVAP[Ser217Gly]GLYYWYLVTE

ClinVar aggregate classification (germline): Uncertain significance (1 of 4 stars; one submission).

Conditions:
Neuronal ceroid lipofuscinosis. Also called: Neuronal Ceroid Lipofuscinoses. Identifiers: Orphanet 216, Orphanet 79263, MedGen C0027877, MONDO:0016295. Disease mechanism: loss of function.

Allele frequency attached by ClinVar (database versions not stated): gnomAD exomes below 0.00001.
gnomAD v4.1: 1 of 1,613,166 alleles (0.000062%); highest among the groups gnomAD compares: African/African-American, 0.0013%; no homozygotes.

Submission:

Labcorp Genetics (formerly Invitae), Labcorp
Classification: Uncertain significance for Neuronal ceroid lipofuscinosis. Last evaluated: 2021-09-01. Review status: criteria provided, single submitter. Criteria: Invitae Variant Classification Sherloc (09022015). Collection method: clinical testing. Allele origin: germline.
Comment: This sequence change replaces serine with glycine at codon 217 of the CLN6 protein (p.Ser217Gly). The serine residue is moderately conserved and there is a small physicochemical difference between serine and glycine. This variant is not present in population databases (ExAC no frequency). This variant has not been reported in the literature in individuals affected with CLN6-related conditions. Algorithms developed to predict the effect of missense changes on protein structure and function are either unavailable or do not agree on the potential impact of this missense change (SIFT: "Tolerated"; PolyPhen-2: "Probably Damaging"; Align-GVGD: "Class C0"). In summary, the available evidence is currently insufficient to determine the role of this variant in disease. Therefore, it has been classified as a Variant of Uncertain Significance.